The following is an entry in ClinVar:

NM_001297595.2(SIN3B):c.47C>T (p.Pro16Leu)

Gene: SIN3B (SIN3 transcription regulator family member B; plus strand). Cytogenetic location: 19p13.11.
Variant type: single nucleotide variant.
Coding change: c.47C>T on transcript NM_001297595.2 (MANE Select); coding-DNA position 47, C replaced by T.
Protein change: p.Pro16Leu; replaces proline 16 with leucine.
Molecular consequence: missense variant.
Genome position (GRCh38, 1-based): chr19:16,829,467, C>T. VCF-style: chr19-16829467-C-T. GRCh37 (hg19) VCF-style: chr19-16940278-C-T.
Other names: c.47C>T, p.Pro16Leu (NM_015260.4); short protein forms P16L.
Identifiers: ClinVar variation 1329537 (VCV001329537.2), dbSNP rs2144566487, ClinGen allele CA404636066.

ClinVar aggregate classification (germline): Uncertain significance (1 of 4 stars; one submission).

Submission:

GeneDx
Classification: Uncertain significance. Last evaluated: 2021-06-25. Review status: criteria provided, single submitter. Criteria: GeneDx Variant Classification Process June 2021. Collection method: clinical testing. Allele origin: germline. Affected: yes.
Comment: Has not been previously published as pathogenic or benign to our knowledge; Not observed at significant frequency in large population cohorts (Lek et al., 2016); In silico analysis supports that this missense variant has a deleterious effect on protein structure/function; This variant is associated with the following publications: (PMID: 27535533)